The following is an entry in ClinVar:

ClinVar aggregate classification (germline): Uncertain significance (1 of 4 stars; one submission).

Conditions:
Neurofibromatosis, type 2 (SWNV). Also called: SCHWANNOMATOSIS, VESTIBULAR; NF2-Related Schwannomatosis; BILATERAL ACOUSTIC NEUROFIBROMATOSIS. Identifiers: Orphanet 637, MedGen C0027832, MONDO:0007039, OMIM 101000. Disease mechanism: loss of function.

Submission:

Labcorp Genetics (formerly Invitae), Labcorp
Classification: Uncertain significance for Neurofibromatosis, type 2. Last evaluated: 2021-10-01. Review status: criteria provided, single submitter. Criteria: Invitae Variant Classification Sherloc (09022015). Collection method: clinical testing. Allele origin: germline.
Comment: This variant is not present in population databases (ExAC no frequency). This sequence change replaces leucine with arginine at codon 56 of the NF2 protein (p.Leu56Arg). The leucine residue is highly conserved and there is a moderate physicochemical difference between leucine and arginine. In summary, the available evidence is currently insufficient to determine the role of this variant in disease. Therefore, it has been classified as a Variant of Uncertain Significance. Algorithms developed to predict the effect of missense changes on protein structure and function (SIFT, PolyPhen-2, Align-GVGD) all suggest that this variant is likely to be disruptive. This variant has not been reported in the literature in individuals affected with NF2-related conditions.

NM_000268.4(NF2):c.167T>G (p.Leu56Arg)

Gene: NF2 (NF2, moesin-ezrin-radixin like (MERLIN) tumor suppressor; plus strand). Cytogenetic location: 22q12.2.
Variant type: single nucleotide variant.
Coding change: c.167T>G on transcript NM_000268.4 (MANE Select); coding-DNA position 167, T replaced by G.
Protein change: p.Leu56Arg; replaces leucine 56 with arginine.
Molecular consequence: missense variant. On other transcripts: non-coding transcript variant (1), intron variant (3).
Genome position (GRCh38, 1-based): chr22:29,636,803, T>G. VCF-style: chr22-29636803-T-G. GRCh37 (hg19) VCF-style: chr22-30032792-T-G.
Other names: c.167T>G, p.Leu56Arg (NM_016418.5, NM_181825.3, NM_181829.3 and 2 more transcripts); c.115-2287T>G (NM_181828.3); c.115-5399T>G (NM_181830.3, NM_181831.3); short protein forms L56R.
Identifiers: ClinVar variation 1355031 (VCV001355031.6), dbSNP rs2146852896, ClinGen allele CA411152523.
Genomic context (GRCh38, chr22:29,636,803, plus strand): 5'-TATTGCAGATGAAGTGGAAAGGGAAGGACCTCTTTGATTTGGTGTGCCGGACTCTGGGGC[T>G]CCGAGAAACCTGGTTCTTTGGACTGCAGTACACAATCAAGGACACAGTGGCCTGGCTCAA-3'
Protein context (NP_000259.1, residues 46-66): LFDLVCRTLG[Leu56Arg]RETWFFGLQY